The following is an entry in ClinVar:

NM_021951.3(DMRT1):c.783C>G (p.Pro261=)

Genes: DMRT1 (doublesex and mab-3 related transcription factor 1; plus strand), LOC130001446 (ATAC-STARR-seq lymphoblastoid active region 28121; plus strand). Cytogenetic location: 9p24.3.
Variant type: single nucleotide variant.
Coding change: c.783C>G on transcript NM_021951.3 (MANE Select); coding-DNA position 783, C replaced by G.
Protein change: p.Pro261=; no amino-acid change (proline 261 retained).
Molecular consequence: synonymous variant.
Genome position (GRCh38, 1-based): chr9:894,156, C>G. VCF-style: chr9-894156-C-G. GRCh37 (hg19) VCF-style: chr9-894156-C-G.
Other names: c.309C>G, p.Pro103= (NM_001363767.1).
Identifiers: ClinVar variation 771730 (VCV000771730.24), dbSNP rs34946058, ClinGen allele CA4961651.

ClinVar aggregate classification (germline): Benign. Review status: criteria provided, multiple submitters, no conflicts (2 of 4 stars). 3 submissions from 3 submitters: Benign (3). Last evaluated 2025-10-08.

Allele frequency attached by ClinVar (database versions not stated): 1000 Genomes Project 30x 0.00125; 1000 Genomes Project 0.00140; TOPMed 0.00362.
gnomAD v4.1: 9,255 of 1,614,038 alleles (0.57%); highest among the groups gnomAD compares: Non-Finnish European, 0.61%; 40 homozygotes.

Submissions (3):

Labcorp Genetics (formerly Invitae), Labcorp
Classification: Benign. Last evaluated: 2025-10-08. Review status: criteria provided, single submitter. Criteria: Invitae Variant Classification Sherloc (09022015). Collection method: clinical testing. Allele origin: germline.

CeGaT Center for Human Genetics Tuebingen
Classification: Benign. Last evaluated: 2024-12-01. Review status: criteria provided, single submitter. Criteria: CeGaT Center For Human Genetics Tuebingen Variant Classification Criteria Version 2. Collection method: clinical testing. Allele origin: germline. Affected: yes. Observed: 1 variant allele.
Comment: DMRT1: BP4, BP7, BS1, BS2

Breakthrough Genomics
Classification: Benign. Review status: criteria provided, single submitter. Criteria: ACMG Guidelines, 2015. Collection method: not provided. Allele origin: germline. Inheritance: Unknown mechanism. Affected: yes.